The following is an entry in ClinVar:

NM_031885.3(BBS2):c.-199A>T

Gene: BBS2 (Bardet-Biedl syndrome 2; minus strand). Cytogenetic location: 16q13.
Variant type: single nucleotide variant.
Coding change: c.-199A>T on transcript NM_031885.3; 199 bases upstream of the start codon, A replaced by T.
Genome position (GRCh38, 1-based): chr16:56,520,061, T>A on the plus strand (A>T on the coding strand, the complement: BBS2 is on the minus strand). VCF-style: chr16-56520061-T-A. GRCh37 (hg19) VCF-style: chr16-56553973-T-A.
Identifiers: ClinVar variation 319884 (VCV000319884.7), dbSNP rs569642995, ClinGen allele CA10638055.
Genomic context (GRCh38, chr16:56,520,061, plus strand): 5'-GACGAACCCGTCCAGGTACCGCCTGCTCCTCCTGCGGCGGCGCAGACCCGTCCGCTCTTT[T>A]TGCGGCTGCGCGGTGGAGCCTCGGCGCCTTCTGTGGCTGCGCAGTGGAGCCTCGGCGCCT-3'

ClinVar aggregate classification (germline): Likely benign (1 of 4 stars; one submission).

Conditions:
Bardet-Biedl syndrome 2 (BBS2). Identifiers: Orphanet 110, MedGen C2936863, MONDO:0014432, OMIM 615981.

Allele frequency attached by ClinVar (database versions not stated): 1000 Genomes Project 0.00280; gnomAD 0.00001 and 0.00064; TOPMed 0.00014; 1000 Genomes Project 30x 0.00297.

Submission:

Illumina Laboratory Services, Illumina
Classification: Likely benign for Bardet-Biedl syndrome 2. Last evaluated: 2018-01-13. Review status: criteria provided, single submitter. Criteria: ICSL Variant Classification Criteria 13 December 2019. Collection method: clinical testing. Allele origin: germline.
Comment: This variant was observed in the ICSL laboratory as part of a predisposition screen in an ostensibly healthy population. It had not been previously curated by ICSL or reported in the Human Gene Mutation Database (HGMD: prior to June 1st, 2018), and was therefore a candidate for classification through an automated scoring system. Utilizing variant allele frequency, disease prevalence and penetrance estimates, and inheritance mode, an automated score was calculated to assess if this variant is too frequent to cause the disease. Based on the score and internal cut-off values, a variant classified as likely benign is not then subjected to further curation. The score for this variant resulted in a classification of likely benign for this disease.